The following is an entry in ClinVar:

NM_032608.7(MYO18B):c.3999G>T (p.Glu1333Asp)

Gene: MYO18B (myosin XVIIIB; plus strand). Cytogenetic location: 22q12.1.
Variant type: single nucleotide variant.
Coding change: c.3999G>T on transcript NM_032608.7 (MANE Select); coding-DNA position 3999, G replaced by T.
Protein change: p.Glu1333Asp; replaces glutamic acid 1333 with aspartic acid.
Molecular consequence: missense variant.
Genome position (GRCh38, 1-based): chr22:25,874,333, G>T. VCF-style: chr22-25874333-G-T. GRCh37 (hg19) VCF-style: chr22-26270300-G-T.
Other names: c.4002G>T, p.Glu1334Asp (NM_001318245.2); short protein forms E1334D, E1333D.
Identifiers: ClinVar variation 1433290 (VCV001433290.8), dbSNP rs1042600587, ClinGen allele CA411006704.
Genomic context (GRCh38, chr22:25,874,333, plus strand): 5'-TCCCTCTCCCCAGGTTTTTCTCAAGGCAGGTGTGATCTCCAGGCTTGAGAAGCAGCGAGA[G>T]AAGCTGGTATCTCAGAGCATCGTTCTCTTCCAGGCGGCTTGCAAGGGCTTTCTGTCTCGC-3'
Protein context (NP_115997.5, residues 1323-1343): GVISRLEKQR[Glu1333Asp]KLVSQSIVLF

ClinVar aggregate classification (germline): Uncertain significance (1 of 4 stars; one submission).

gnomAD v4.1: 1 of 1,613,976 alleles (0.000062%); highest among the groups gnomAD compares: African/African-American, 0.0013%; no homozygotes.

Submission:

Labcorp Genetics (formerly Invitae), Labcorp
Classification: Uncertain significance. Last evaluated: 2024-10-08. Review status: criteria provided, single submitter. Criteria: Invitae Variant Classification Sherloc (09022015). Collection method: clinical testing. Allele origin: germline.
Comment: This sequence change replaces glutamic acid, which is acidic and polar, with aspartic acid, which is acidic and polar, at codon 1333 of the MYO18B protein (p.Glu1333Asp). This variant is not present in population databases (gnomAD no frequency). This variant has not been reported in the literature in individuals affected with MYO18B-related conditions. ClinVar contains an entry for this variant (Variation ID: 1433290). An algorithm developed to predict the effect of missense changes on protein structure and function (PolyPhen-2) suggests that this variant is likely to be disruptive. In summary, the available evidence is currently insufficient to determine the role of this variant in disease. Therefore, it has been classified as a Variant of Uncertain Significance.